The following is an entry in ClinVar:

NM_004336.5(BUB1):c.2348G>A (p.Gly783Asp)

Gene: BUB1 (BUB1 mitotic checkpoint serine/threonine kinase; minus strand). Cytogenetic location: 2q13.
Variant type: single nucleotide variant.
Coding change: c.2348G>A on transcript NM_004336.5 (MANE Select); coding-DNA position 2348, G replaced by A.
Protein change: p.Gly783Asp; replaces glycine 783 with aspartic acid.
Molecular consequence: missense variant.
Genome position (GRCh38, 1-based): chr2:110,642,234, C>T on the plus strand (G>A on the coding strand, the complement: BUB1 is on the minus strand). VCF-style: chr2-110642234-C-T. GRCh37 (hg19) VCF-style: chr2-111399811-C-T.
Other names: c.2288G>A, p.Gly763Asp (NM_001278616.2); c.2348G>A, p.Gly783Asp (NM_001278617.2); short protein forms G763D, G783D.
Identifiers: ClinVar variation 3224043 (VCV003224043.1), dbSNP rs2467973637, ClinGen allele CA348209331.

ClinVar aggregate classification (germline): Uncertain significance (1 of 4 stars; one submission).

Submission:

Ambry Genetics
Classification: Uncertain significance. Last evaluated: 2023-10-04. Review status: criteria provided, single submitter. Criteria: Ambry Variant Classification Scheme 2023. Collection method: clinical testing. Allele origin: germline.
Comment: The p.G783D variant (also known as c.2348G>A) is located in coding exon 20 of the BUB1 gene. The glycine at codon 783 is replaced by aspartic acid, an amino acid with similar properties. This change occurs in the first base pair of coding exon 20. This amino acid position is conserved. In addition, this alteration is predicted to be tolerated by in silico analysis. Since supporting evidence is limited at this time, the clinical significance of this alteration remains unclear.